The following is an entry in ClinVar:

NM_000137.4(FAH):c.701G>T (p.Trp234Leu)

Gene: FAH (fumarylacetoacetate hydrolase; plus strand). Cytogenetic location: 15q25.1.
Variant type: single nucleotide variant.
Coding change: c.701G>T on transcript NM_000137.4 (MANE Select); coding-DNA position 701, G replaced by T.
Protein change: p.Trp234Leu; replaces tryptophan 234 with leucine.
Molecular consequence: missense variant.
Genome position (GRCh38, 1-based): chr15:80,172,243, G>T. VCF-style: chr15-80172243-G-T. GRCh37 (hg19) VCF-style: chr15-80464585-G-T.
Other names: c.701G>T, p.Trp234Leu (NM_001374377.1, NM_001374380.1); short protein forms W234L.
Identifiers: ClinVar variation 4817561 (VCV004817561.1).

ClinVar aggregate classification (germline): Likely pathogenic (1 of 4 stars; one submission).

Conditions:
Tyrosinemia type I (TYRSN1). Also called: Tyrosinemia type 1; Fumarylacetoacetase deficiency; Deficiency of fumarylacetoacetase; HEPATORENAL TYROSINEMIA; FAH DEFICIENCY. Identifiers: Orphanet 882, MedGen C0268490, MONDO:0010161, OMIM 276700. Disease mechanism: loss of function.

Submission:

Natera, Inc.
Classification: Likely pathogenic for Tyrosinemia type I. Last evaluated: 2025-09-19. Review status: criteria provided, single submitter. Criteria: Natera Variant Classification Schema (03/2026). Collection method: clinical testing. Allele origin: germline.
Comment: The c.701G>T variant in FAH is a missense variant predicted to cause substitution of tryptophan to leucine at amino acid 234. This variant is rare in the general population with a frequency below the threshold expected for the associated phenotype(s). This variant has been observed in one or more individuals affected with the associated recessive disease, as either homozygous or compound heterozygous with a second variant (PMID: 33882394). A different variant at the same position has been determined to be Pathogenic or Likely Pathogenic. Computational prediction algorithms indicate this variant is likely to affect gene or protein function. Given the available evidence, this variant is classified as Likely Pathogenic.

Literature cited by the submitters: PubMed 33882394.